The following is an entry in ClinVar:

ClinVar aggregate classification (germline): Likely benign. Review status: criteria provided, single submitter (1 of 4 stars). 2 submissions from 2 submitters: Likely benign (1). 1 of the submissions does not count toward it. Last evaluated 2025-01-23.

Conditions:
Fanconi anemia (FA). Also called: Fanconi's anemia. Identifiers: Orphanet 84, MedGen C0015625, MeSH D005199, MONDO:0019391.
FANCM-related disorder. Also called: FANCM-related condition.

Allele frequency attached by ClinVar (database versions not stated): gnomAD exomes below 0.00001; TOPMed 0.00004; gnomAD 0.00005; 1000 Genomes Project 30x 0.00016; 1000 Genomes Project 0.00020.
gnomAD v4.1: 12 of 1,613,948 alleles (0.00074%); highest among the groups gnomAD compares: African/African-American, 0.015%; no homozygotes.

Submissions (2):

Labcorp Genetics (formerly Invitae), Labcorp
Classification: Likely benign for Fanconi anemia. Last evaluated: 2025-01-23. Review status: criteria provided, single submitter. Criteria: Invitae Variant Classification Sherloc (09022015). Collection method: clinical testing. Allele origin: germline.

PreventionGenetics, part of Exact Sciences
Classification: Likely benign for FANCM-related condition. Last evaluated: 2022-02-03. Review status: no assertion criteria provided. Collection method: clinical testing. Allele origin: germline. Not counted in ClinVar's aggregate classification.
Comment: This variant is classified as likely benign based on ACMG/AMP sequence variant interpretation guidelines (Richards et al. 2015 PMID: 25741868, with internal and published modifications).

NM_020937.4(FANCM):c.5889A>G (p.Thr1963=)

Gene: FANCM (FA complementation group M; plus strand). Cytogenetic location: 14q21.2.
Variant type: single nucleotide variant.
Coding change: c.5889A>G on transcript NM_020937.4 (MANE Select); coding-DNA position 5889, A replaced by G.
Protein change: p.Thr1963=; no amino-acid change (threonine 1963 retained).
Molecular consequence: synonymous variant.
Genome position (GRCh38, 1-based): chr14:45,198,816, A>G. VCF-style: chr14-45198816-A-G. GRCh37 (hg19) VCF-style: chr14-45668019-A-G.
Other names: c.5889A>G (NM_020937.3); c.5811A>G, p.Thr1937= (NM_001308133.2).
Identifiers: ClinVar variation 1920462 (VCV001920462.7), dbSNP rs190238227, ClinGen allele CA259603235.